The following is an entry in ClinVar:

NM_001099403.2(PRDM8):c.868GGC[7] (p.Gly293_Gly294dup)

Gene: PRDM8 (PR/SET domain 8; plus strand). Cytogenetic location: 4q21.21.
Variant type: Microsatellite.
Coding change: c.868GGC[7] on transcript NM_001099403.2 (MANE Select); seven copies in a row of the 3-base unit GGC starting at c.868; the reference has five copies in a row; two copies, 6 bases duplicated.
Protein change: p.Gly293_Gly294dup.
Molecular consequence: inframe insertion.
Genome position (GRCh38, 1-based): chr4:80,202,339-80,202,344, GGCGGC duplicated; duplicating any 6 consecutive bases within chr4:80,202,328-80,202,344 gives the same sequence; the position shown is the placement nearest the transcript's 3' end. VCF-style (leftmost placement, unchanged base first): chr4-80202327-A-AGCGGCG. GRCh37 (hg19) VCF-style: chr4-81123481-A-AGCGGCG.
Other names: c.877_882dup (NM_020226.3); c.868GGC[7], p.Gly293_Gly294dup (NM_020226.4).
Identifiers: ClinVar variation 853982 (VCV000853982.5), dbSNP rs752636419, ClinGen allele CA2982345.
Genomic context (GRCh38, chr4:80,202,327, plus strand): 5'-GAAAACTCCCGGGGAGGCAGCAGCTGCTCCCCAGCCCAGAGCCTCAGCAGCGGTAGCGGC[A>AGCGGCG]GCGGCGGCGGCGGCGGCCACCAGGAGGCGGAGCTGAGTCCCGACGGCATCGCCACGGGCG-3'

ClinVar aggregate classification (germline): Uncertain significance (1 of 4 stars; one submission).

Conditions:
Early-onset Lafora body disease. Also called: Epilepsy, progressive myoclonic, 10. Identifiers: Orphanet 324290, MedGen C4225258, MONDO:0014717, OMIM 616640.

Submission:

Labcorp Genetics (formerly Invitae), Labcorp
Classification: Uncertain significance for Early-onset Lafora body disease. Last evaluated: 2022-08-31. Review status: criteria provided, single submitter. Criteria: Invitae Variant Classification Sherloc (09022015). Collection method: clinical testing. Allele origin: germline.
Comment: This variant, c.877_882dup, results in the insertion of 2 amino acid(s) of the PRDM8 protein (p.Gly293_Gly294dup), but otherwise preserves the integrity of the reading frame. This variant is present in population databases (rs752636419, gnomAD 0.02%). This variant has not been reported in the literature in individuals affected with PRDM8-related conditions. ClinVar contains an entry for this variant (Variation ID: 853982). Experimental studies and prediction algorithms are not available or were not evaluated, and the functional significance of this variant is currently unknown. In summary, the available evidence is currently insufficient to determine the role of this variant in disease. Therefore, it has been classified as a Variant of Uncertain Significance.